The following is an entry in ClinVar:

NM_052945.4(TNFRSF13C):c.224C>T (p.Pro75Leu)

Genes: TNFRSF13C (TNF receptor superfamily member 13C; minus strand), LOC130067574 (ATAC-STARR-seq lymphoblastoid silent region 13813; plus strand). Cytogenetic location: 22q13.2.
Variant type: single nucleotide variant.
Coding change: c.224C>T on transcript NM_052945.4 (MANE Select); coding-DNA position 224, C replaced by T.
Protein change: p.Pro75Leu; replaces proline 75 with leucine.
Molecular consequence: missense variant.
Genome position (GRCh38, 1-based): chr22:41,926,244, G>A on the plus strand (C>T on the coding strand, the complement: TNFRSF13C is on the minus strand). VCF-style: chr22-41926244-G-A. GRCh37 (hg19) VCF-style: chr22-42322248-G-A.
Other names: short protein forms P75L.
Identifiers: ClinVar variation 2708865 (VCV002708865.4), dbSNP rs766314604, ClinGen allele CA411763245.

ClinVar aggregate classification (germline): Uncertain significance. Review status: criteria provided, multiple submitters, no conflicts (2 of 4 stars). 2 submissions from 2 submitters: Uncertain significance (2). Last evaluated 2024-04-08.

Conditions:
Immunodeficiency, common variable, 4. Also called: ANTIBODY DEFICIENCY DUE TO BAFFR DEFECT. Identifiers: Orphanet 1572, Orphanet 696925, MedGen C3150739, MONDO:0013284, OMIM 613494.

gnomAD v4.1: 3 of 1,548,416 alleles (0.00019%); highest among the groups gnomAD compares: Non-Finnish European, 0.00026%; no homozygotes.

Submissions (2):

Labcorp Genetics (formerly Invitae), Labcorp
Classification: Uncertain significance for Immunodeficiency, common variable, 4. Last evaluated: 2024-04-08. Review status: criteria provided, single submitter. Criteria: Invitae Variant Classification Sherloc (09022015). Collection method: clinical testing. Allele origin: germline.
Comment: This sequence change replaces proline, which is neutral and non-polar, with leucine, which is neutral and non-polar, at codon 75 of the TNFRSF13C protein (p.Pro75Leu). This variant is not present in population databases (gnomAD no frequency). This variant has not been reported in the literature in individuals affected with TNFRSF13C-related conditions. An algorithm developed to predict the effect of missense changes on protein structure and function (PolyPhen-2) suggests that this variant is likely to be disruptive. In summary, the available evidence is currently insufficient to determine the role of this variant in disease. Therefore, it has been classified as a Variant of Uncertain Significance.

Ambry Genetics
Classification: Uncertain significance. Last evaluated: 2023-12-22. Review status: criteria provided, single submitter. Criteria: Ambry Variant Classification Scheme 2023. Collection method: clinical testing. Allele origin: germline.